The following is an entry in ClinVar:

NM_003036.4(SKI):c.767C>T (p.Pro256Leu)

Gene: SKI (SKI proto-oncogene; plus strand). Cytogenetic location: 1p36.33.
Variant type: single nucleotide variant.
Coding change: c.767C>T on transcript NM_003036.4 (MANE Select); coding-DNA position 767, C replaced by T.
Protein change: p.Pro256Leu; replaces proline 256 with leucine.
Molecular consequence: missense variant.
Genome position (GRCh38, 1-based): chr1:2,229,533, C>T. VCF-style: chr1-2229533-C-T. GRCh37 (hg19) VCF-style: chr1-2160972-C-T.
Other names: short protein forms P256L.
Identifiers: ClinVar variation 1377383 (VCV001377383.7), dbSNP rs2100790888, ClinGen allele CA337955234.

ClinVar aggregate classification (germline): Uncertain significance. Review status: criteria provided, multiple submitters, no conflicts (2 of 4 stars). 2 submissions from 2 submitters: Uncertain significance (2). Last evaluated 2022-05-12.

Conditions:
Shprintzen-Goldberg syndrome (SGS). Also called: SHPRINTZEN-GOLDBERG CRANIOSYNOSTOSIS SYNDROME; CRANIOSYNOSTOSIS WITH ARACHNODACTYLY AND ABDOMINAL HERNIAS; Marfanoid disorder with craniosynostosis type 1; Marfanoid craniosynostosis syndrome; Shprintzen-Goldberg marfanoid syndrome. Identifiers: Orphanet 2462, MedGen C1321551, MONDO:0008426, OMIM 182212.

Submissions (2):

GeneDx
Classification: Uncertain significance. Last evaluated: 2022-05-12. Review status: criteria provided, single submitter. Criteria: GeneDx Variant Classification Process June 2021. Collection method: clinical testing. Allele origin: germline. Affected: yes.
Comment: Not observed at significant frequency in large population cohorts (gnomAD); In silico analysis supports that this missense variant has a deleterious effect on protein structure/function; Has not been previously published as pathogenic or benign to our knowledge

Labcorp Genetics (formerly Invitae), Labcorp
Classification: Uncertain significance for Shprintzen-Goldberg syndrome. Last evaluated: 2021-08-24. Review status: criteria provided, single submitter. Criteria: Invitae Variant Classification Sherloc (09022015). Collection method: clinical testing. Allele origin: germline.
Comment: In summary, the available evidence is currently insufficient to determine the role of this variant in disease. Therefore, it has been classified as a Variant of Uncertain Significance. Algorithms developed to predict the effect of missense changes on protein structure and function are either unavailable or do not agree on the potential impact of this missense change (SIFT: "Deleterious"; PolyPhen-2: "Probably Damaging"; Align-GVGD: "Class C0"). This variant has not been reported in the literature in individuals affected with SKI-related conditions. This variant is not present in population databases (ExAC no frequency). This sequence change replaces proline with leucine at codon 256 of the SKI protein (p.Pro256Leu). The proline residue is highly conserved and there is a moderate physicochemical difference between proline and leucine.